The following is an entry in ClinVar:

ClinVar aggregate classification (germline): Uncertain significance. Review status: criteria provided, multiple submitters, no conflicts (2 of 4 stars). 2 submissions from 2 submitters: Uncertain significance (2). Last evaluated 2023-09-25.

Allele frequency attached by ClinVar (database versions not stated): gnomAD exomes 0.00001; gnomAD 0.00005; ExAC 0.00007; TOPMed 0.00007; ESP Exome Variant Server 0.00008; 1000 Genomes Project 30x 0.00031; 1000 Genomes Project 0.00040.
gnomAD v4.1: 27 of 1,614,106 alleles (0.0017%); highest among the groups gnomAD compares: African/African-American, 0.016%; no homozygotes.

Submissions (2):

Blueprint Genetics
Classification: Uncertain significance. Last evaluated: 2023-09-25. Review status: criteria provided, single submitter. Criteria: ACMG Guidelines, 2015. Collection method: clinical testing. Allele origin: germline.

Labcorp Genetics (formerly Invitae), Labcorp
Classification: Uncertain significance. Last evaluated: 2022-02-21. Review status: criteria provided, single submitter. Criteria: Invitae Variant Classification Sherloc (09022015). Collection method: clinical testing. Allele origin: germline.
Comment: This sequence change replaces alanine, which is neutral and non-polar, with threonine, which is neutral and polar, at codon 653 of the CNGB3 protein (p.Ala653Thr). This variant is present in population databases (rs368249894, gnomAD 0.03%). This missense change has been observed in individual(s) with CNGB3-related conditions (PMID: 23776498). Advanced modeling of protein sequence and biophysical properties (such as structural, functional, and spatial information, amino acid conservation, physicochemical variation, residue mobility, and thermodynamic stability) performed at Invitae indicates that this missense variant is not expected to disrupt CNGB3 protein function. In summary, the available evidence is currently insufficient to determine the role of this variant in disease. Therefore, it has been classified as a Variant of Uncertain Significance.

Literature cited by the submitters: PubMed 23776498 (cited by Labcorp Genetics (formerly Invitae), Labcorp).

NM_019098.5(CNGB3):c.1957G>A (p.Ala653Thr)

Gene: CNGB3 (cyclic nucleotide gated channel subunit beta 3; minus strand). Cytogenetic location: 8q21.3.
Variant type: single nucleotide variant.
Coding change: c.1957G>A on transcript NM_019098.5 (MANE Select); coding-DNA position 1957, G replaced by A.
Protein change: p.Ala653Thr; replaces alanine 653 with threonine.
Molecular consequence: missense variant.
Genome position (GRCh38, 1-based): chr8:86,578,835, C>T on the plus strand (G>A on the coding strand, the complement: CNGB3 is on the minus strand). VCF-style: chr8-86578835-C-T. GRCh37 (hg19) VCF-style: chr8-87591063-C-T.
Other names: short protein forms A653T.
Identifiers: ClinVar variation 2136683 (VCV002136683.2), dbSNP rs368249894, ClinGen allele CA4799835.
Genomic context (GRCh38, chr8:86,578,835, plus strand): 5'-GTGTCTCTTCTTTCGGTGGGAAGAGGAGGGCAAGATCTTTTCTTGGAGGGGTTGCTTCTG[C>T]GGTCTTAGCCTTCTGCTTTAAAAGCACTCTGTGGGTAAGAGAGAAAAGCTGTTTTAGGTA-3'
Protein context (NP_061971.3, residues 643-663): RVLLKQKAKT[Ala653Thr]EATPPRKDLA